The following is an entry in ClinVar:

ClinVar aggregate classification (germline): Uncertain significance. Review status: criteria provided, multiple submitters, no conflicts (2 of 4 stars). 2 submissions from 2 submitters: Uncertain significance (2). Last evaluated 2025-10-26.

Conditions:
Inborn genetic diseases. Identifiers: MedGen C0950123, MeSH D030342.

Allele frequency attached by ClinVar (database versions not stated): ESP Exome Variant Server 0.00015.
gnomAD v4.1: 51 of 1,613,564 alleles (0.0032%); highest among the groups gnomAD compares: South Asian, 0.0033%; no homozygotes.

Submissions (2):

Labcorp Genetics (formerly Invitae), Labcorp
Classification: Uncertain significance. Last evaluated: 2025-10-26. Review status: criteria provided, single submitter. Criteria: Invitae Variant Classification Sherloc (09022015). Collection method: clinical testing. Allele origin: germline.
Comment: This sequence change replaces alanine, which is neutral and non-polar, with threonine, which is neutral and polar, at codon 2008 of the HSPG2 protein (p.Ala2008Thr). This variant is present in population databases (rs148626953, gnomAD 0.01%). This variant has not been reported in the literature in individuals affected with HSPG2-related conditions. ClinVar contains an entry for this variant (Variation ID: 1429079). An algorithm developed to predict the effect of missense changes on protein structure and function (PolyPhen-2) suggests that this variant is likely to be tolerated. In summary, the available evidence is currently insufficient to determine the role of this variant in disease. Therefore, it has been classified as a Variant of Uncertain Significance.

Ambry Genetics
Classification: Uncertain significance for Inborn genetic diseases. Last evaluated: 2025-03-15. Review status: criteria provided, single submitter. Criteria: Ambry Variant Classification Scheme 2023. Collection method: clinical testing. Allele origin: germline.

NM_005529.7(HSPG2):c.6022G>A (p.Ala2008Thr)

Gene: HSPG2 (heparan sulfate proteoglycan 2; minus strand). Cytogenetic location: 1p36.12.
Variant type: single nucleotide variant.
Coding change: c.6022G>A on transcript NM_005529.7 (MANE Select); coding-DNA position 6022, G replaced by A.
Protein change: p.Ala2008Thr; replaces alanine 2008 with threonine.
Molecular consequence: missense variant.
Genome position (GRCh38, 1-based): chr1:21,854,959, C>T on the plus strand (G>A on the coding strand, the complement: HSPG2 is on the minus strand). VCF-style: chr1-21854959-C-T. GRCh37 (hg19) VCF-style: chr1-22181452-C-T.
Other names: c.6025G>A, p.Ala2009Thr (NM_001291860.2); c.6022G>A (NM_005529.5); short protein forms A2008T, A2009T.
Identifiers: ClinVar variation 1429079 (VCV001429079.9), dbSNP rs148626953, ClinGen allele CA671699.